The following is an entry in ClinVar:

NM_001354930.2(RIPK1):c.915+6C>G

Gene: RIPK1 (receptor interacting serine/threonine kinase 1; plus strand). Cytogenetic location: 6p25.2.
Variant type: single nucleotide variant.
Coding change: c.915+6C>G on transcript NM_001354930.2 (MANE Select); 6 bases into the intron after coding-DNA position 915, C replaced by G.
Molecular consequence: intron variant.
Genome position (GRCh38, 1-based): chr6:3,089,663, C>G. VCF-style: chr6-3089663-C-G. GRCh37 (hg19) VCF-style: chr6-3089897-C-G.
Other names: c.426+6C>G (NM_001354934.2, NM_001354933.2, NM_001317061.3 and 1 more transcripts); c.915+6C>G (NM_003804.6); c.777+6C>G (NM_001354931.2).
Identifiers: ClinVar variation 2006753 (VCV002006753.4), dbSNP rs2533249424, ClinGen allele CA2580074192.
Genomic context (GRCh38, chr6:3,089,663, plus strand): 5'-TTTTTATTTAAGTCAATTAGAAGAAAGTGTAGAAGAGGACGTGAAGAGTTTAAAGGTAGG[C>G]AATATAGCAGATGCTCAAAATATTAACATAGCAAAATATATACTGTCAATCATGAAAACC-3'

ClinVar aggregate classification (germline): Uncertain significance (1 of 4 stars; one submission).

Submission:

Labcorp Genetics (formerly Invitae), Labcorp
Classification: Uncertain significance. Last evaluated: 2022-10-13. Review status: criteria provided, single submitter. Criteria: Invitae Variant Classification Sherloc (09022015). Collection method: clinical testing. Allele origin: germline.
Comment: In summary, the available evidence is currently insufficient to determine the role of this variant in disease. Therefore, it has been classified as a Variant of Uncertain Significance. This sequence change falls in intron 7 of the RIPK1 gene. It does not directly change the encoded amino acid sequence of the RIPK1 protein. It affects a nucleotide within the consensus splice site. This variant is not present in population databases (gnomAD no frequency). This variant has not been reported in the literature in individuals affected with RIPK1-related conditions. Variants that disrupt the consensus splice site are a relatively common cause of aberrant splicing (PMID: 17576681, 9536098). Algorithms developed to predict the effect of sequence changes on RNA splicing suggest that this variant is not likely to affect RNA splicing.

Literature cited by the submitters: PubMed 17576681; PubMed 9536098.